The following is an entry in ClinVar:

ClinVar aggregate classification (germline): Likely benign (1 of 4 stars; one submission).

gnomAD v4.1: 1,871 of 1,613,628 alleles (0.12%); highest among the groups gnomAD compares: Middle Eastern, 0.22%; 1 homozygote.

Submission:

Mayo Clinic Laboratories, Mayo Clinic
Classification: Likely benign. Last evaluated: 2025-05-28. Review status: criteria provided, single submitter. Criteria: ACMG Guidelines, 2015. Collection method: clinical testing. Allele origin: germline. Observed: 2 variant alleles.
Comment: BS1, BP4

NM_007098.4(CLTCL1):c.4532C>T (p.Ala1511Val)

Gene: CLTCL1 (clathrin heavy chain like 1; minus strand). Cytogenetic location: 22q11.21.
Variant type: single nucleotide variant.
Coding change: c.4532C>T on transcript NM_007098.4 (MANE Select); coding-DNA position 4532, C replaced by T.
Protein change: p.Ala1511Val; replaces alanine 1511 with valine.
Molecular consequence: missense variant. On other transcripts: intron variant (1).
Genome position (GRCh38, 1-based): chr22:19,187,631, G>A on the plus strand (C>T on the coding strand, the complement: CLTCL1 is on the minus strand). VCF-style: chr22-19187631-G-A. GRCh37 (hg19) VCF-style: chr22-19175143-G-A.
Other names: p.Ala1511Val; c.4434+350C>T (NM_001835.4); short protein forms A1511V.
Identifiers: ClinVar variation 4684451 (VCV004684451.1).